The following is an entry in ClinVar:

NM_018076.5(ODAD2):c.1075T>C (p.Trp359Arg)

Gene: ODAD2 (outer dynein arm docking complex subunit 2; minus strand). Cytogenetic location: 10p12.1.
Variant type: single nucleotide variant.
Coding change: c.1075T>C on transcript NM_018076.5 (MANE Select); coding-DNA position 1075, T replaced by C.
Protein change: p.Trp359Arg; replaces tryptophan 359 with arginine.
Molecular consequence: missense variant. On other transcripts: intron variant (1).
Genome position (GRCh38, 1-based): chr10:27,971,175, A>G on the plus strand (T>C on the coding strand, the complement: ODAD2 is on the minus strand). VCF-style: chr10-27971175-A-G. GRCh37 (hg19) VCF-style: chr10-28260104-A-G.
Other names: c.1075T>C, p.Trp359Arg (NM_001290020.2); c.151T>C, p.Trp51Arg (NM_001312689.2); c.-187-9460T>C (NM_001290021.2); c.1075T>C (NM_018076.2); short protein forms W51R, W359R.
Identifiers: ClinVar variation 1896175 (VCV001896175.6), dbSNP rs1426866864, ClinGen allele CA376394274.

ClinVar aggregate classification (germline): Uncertain significance. Review status: criteria provided, multiple submitters, no conflicts (2 of 4 stars). 2 submissions from 2 submitters: Uncertain significance (2). Last evaluated 2025-08-06.

Conditions:
Primary ciliary dyskinesia 23 (CILD23). Also called: CILIARY DYSKINESIA, PRIMARY, 23, WITH OR WITHOUT SITUS INVERSUS. Identifiers: Orphanet 244, MedGen C3809548, MONDO:0014193, OMIM 615451.
Primary ciliary dyskinesia. Also called: Ciliary dyskinesia. Identifiers: Orphanet 244, MedGen C0008780, MONDO:0016575, HP:0012265.

Allele frequency attached by ClinVar (database versions not stated): TOPMed below 0.00001.

Submissions (2):

Ambry Genetics
Classification: Uncertain significance for Primary ciliary dyskinesia. Last evaluated: 2025-08-06. Review status: criteria provided, single submitter. Criteria: Ambry Variant Classification Scheme 2023. Collection method: clinical testing. Allele origin: germline.

Labcorp Genetics (formerly Invitae), Labcorp
Classification: Uncertain significance for Primary ciliary dyskinesia 23. Last evaluated: 2022-07-08. Review status: criteria provided, single submitter. Criteria: Invitae Variant Classification Sherloc (09022015). Collection method: clinical testing. Allele origin: germline.
Comment: This variant has not been reported in the literature in individuals affected with ARMC4-related conditions. This variant is present in population databases (no rsID available, gnomAD 0.003%). This sequence change replaces tryptophan, which is neutral and slightly polar, with arginine, which is basic and polar, at codon 359 of the ARMC4 protein (p.Trp359Arg). In summary, the available evidence is currently insufficient to determine the role of this variant in disease. Therefore, it has been classified as a Variant of Uncertain Significance. Algorithms developed to predict the effect of missense changes on protein structure and function output the following: SIFT: "Tolerated"; PolyPhen-2: "Benign"; Align-GVGD: "Class C0". The arginine amino acid residue is found in multiple mammalian species, which suggests that this missense change does not adversely affect protein function.